The following is an entry in ClinVar:

NM_001453.3(FOXC1):c.1435G>A (p.Gly479Ser)

Gene: FOXC1 (forkhead box C1; plus strand). Cytogenetic location: 6p25.3.
Variant type: single nucleotide variant.
Coding change: c.1435G>A on transcript NM_001453.3 (MANE Select); coding-DNA position 1435, G replaced by A.
Protein change: p.Gly479Ser; replaces glycine 479 with serine.
Molecular consequence: missense variant.
Genome position (GRCh38, 1-based): chr6:1,611,880, G>A. VCF-style: chr6-1611880-G-A. GRCh37 (hg19) VCF-style: chr6-1612115-G-A.
Other names: short protein forms G479S.
Identifiers: ClinVar variation 4988129 (VCV004988129.1).

ClinVar aggregate classification (germline): Uncertain significance (1 of 4 stars; one submission).

Conditions:
FOXC1-related disorder. Also called: FOXC1-related condition.

gnomAD v4.1: 22 of 1,543,124 alleles (0.0014%); highest among the groups gnomAD compares: Non-Finnish European, 0.0019%; no homozygotes.

Submission:

PreventionGenetics, part of Exact Sciences
Classification: Uncertain significance for FOXC1-related condition. Last evaluated: 2026-04-15. Review status: criteria provided, single submitter. Criteria: ACMG Guidelines, 2015. Collection method: clinical testing. Allele origin: germline.
Comment: The FOXC1 c.1435G>A variant is predicted to result in the amino acid substitution p.Gly479Ser. To our knowledge, this variant has not been reported in the literature or in a large population database (gnomAD), indicating this variant is rare. At this time, the clinical significance of this variant is uncertain due to the absence of conclusive functional and genetic evidence.